The following is an entry in ClinVar:

NM_025114.4(CEP290):c.6870T>C (p.Asn2290=)

Gene: CEP290 (centrosomal protein 290; minus strand). Cytogenetic location: 12q21.32.
Variant type: single nucleotide variant.
Coding change: c.6870T>C on transcript NM_025114.4 (MANE Select); coding-DNA position 6870, T replaced by C.
Protein change: p.Asn2290=; no amino-acid change (asparagine 2290 retained).
Molecular consequence: synonymous variant.
Genome position (GRCh38, 1-based): chr12:88,055,666, A>G on the plus strand (T>C on the coding strand, the complement: CEP290 is on the minus strand). VCF-style: chr12-88055666-A-G. GRCh37 (hg19) VCF-style: chr12-88449443-A-G.
Identifiers: ClinVar variation 241587 (VCV000241587.18), dbSNP rs572443869, ClinGen allele CA6711411.

ClinVar aggregate classification (germline): Conflicting classifications of pathogenicity. Review status: criteria provided, conflicting classifications (1 of 4 stars). 8 submissions from 4 submitters: Uncertain significance (5); Likely benign (2). 1 of the submissions does not count toward it. Last evaluated 2026-01-13.

Conditions:
CEP290-related disorder. Also called: CEP290-related condition; CEP290-related disorders. Identifiers: MedGen CN239314.
Joubert syndrome. Also called: Familial aplasia of the vermis; JOUBERT-BOLTSHAUSER SYNDROME. Identifiers: Orphanet 475, MedGen C5979921, MONDO:0018772.
Meckel-Gruber syndrome. Also called: DYSENCEPHALIA SPLANCHNOCYSTICA; GRUBER SYNDROME; Dysencephalia splachnocystica. Identifiers: Orphanet 564, MedGen C0265215, MONDO:0018921.
Nephronophthisis. Also called: Juvenile Nephronophthisis. Identifiers: Orphanet 655, MedGen C0687120, MONDO:0019005, HP:0000090.
Meckel syndrome, type 4 (MKS4). Also called: MECKEL-GRUBER SYNDROME, TYPE 4. Identifiers: Orphanet 564, MedGen C1970161, MONDO:0012626, OMIM 611134.
Joubert syndrome 5 (JBTS5). Identifiers: Orphanet 2318, MedGen C1857780, MONDO:0012432, OMIM 610188.
Senior-Loken syndrome 6 (SLSN6). Identifiers: Orphanet 3156, MedGen C1857779, MONDO:0012433, OMIM 610189.
Leber congenital amaurosis 10 (LCA10). Identifiers: Orphanet 65, MedGen C1857821, MONDO:0012723, OMIM 611755.
Bardet-Biedl syndrome 14 (BBS14). Identifiers: Orphanet 110, MedGen C2673874, MONDO:0014442, OMIM 615991.

Allele frequency attached by ClinVar (database versions not stated): ExAC below 0.00001; gnomAD exomes 0.00002 and 0.00003; gnomAD 0.00003; TOPMed 0.00005.

Submissions (8):

Labcorp Genetics (formerly Invitae), Labcorp
Classification: Likely benign for Joubert syndrome; Meckel-Gruber syndrome; Nephronophthisis. Last evaluated: 2026-01-13. Review status: criteria provided, single submitter. Criteria: Invitae Variant Classification Sherloc (09022015). Collection method: clinical testing. Allele origin: germline.

Blueprint Genetics
Classification: Likely benign. Last evaluated: 2024-09-24. Review status: criteria provided, single submitter. Criteria: ACMG Guidelines, 2015. Collection method: clinical testing. Allele origin: germline.

Illumina Laboratory Services, Illumina
Classification: Uncertain significance for Senior-Loken syndrome 6. Last evaluated: 2018-01-13. Review status: criteria provided, single submitter. Criteria: ICSL Variant Classification Criteria 13 December 2019. Collection method: clinical testing. Allele origin: germline.

Illumina Laboratory Services, Illumina
Classification: Uncertain significance for Joubert syndrome 5. Last evaluated: 2018-01-13. Review status: criteria provided, single submitter. Criteria: ICSL Variant Classification Criteria 13 December 2019. Collection method: clinical testing. Allele origin: germline.

Illumina Laboratory Services, Illumina
Classification: Uncertain significance for Meckel syndrome, type 4. Last evaluated: 2018-01-13. Review status: criteria provided, single submitter. Criteria: ICSL Variant Classification Criteria 13 December 2019. Collection method: clinical testing. Allele origin: germline.

Illumina Laboratory Services, Illumina
Classification: Uncertain significance for Leber congenital amaurosis 10. Last evaluated: 2018-01-13. Review status: criteria provided, single submitter. Criteria: ICSL Variant Classification Criteria 13 December 2019. Collection method: clinical testing. Allele origin: germline.

Illumina Laboratory Services, Illumina
Classification: Uncertain significance for Bardet-Biedl syndrome 14. Last evaluated: 2018-01-13. Review status: criteria provided, single submitter. Criteria: ICSL Variant Classification Criteria 13 December 2019. Collection method: clinical testing. Allele origin: germline.

PreventionGenetics, part of Exact Sciences
Classification: Likely benign for CEP290-related condition. Last evaluated: 2020-02-17. Review status: no assertion criteria provided. Collection method: clinical testing. Allele origin: germline. Not counted in ClinVar's aggregate classification.
Comment: This variant is classified as likely benign based on ACMG/AMP sequence variant interpretation guidelines (Richards et al. 2015 PMID: 25741868, with internal and published modifications).